The following is an entry in ClinVar:

NM_001291303.3(FAT4):c.6584A>G (p.Asn2195Ser)

Gene: FAT4 (FAT atypical cadherin 4; plus strand). Cytogenetic location: 4q28.1.
Variant type: single nucleotide variant.
Coding change: c.6584A>G on transcript NM_001291303.3 (MANE Select); coding-DNA position 6584, A replaced by G.
Protein change: p.Asn2195Ser; replaces asparagine 2195 with serine.
Molecular consequence: missense variant.
Genome position (GRCh38, 1-based): chr4:125,415,547, A>G. VCF-style: chr4-125415547-A-G. GRCh37 (hg19) VCF-style: chr4-126336702-A-G.
Other names: c.6584A>G (NM_024582.4); c.6584A>G, p.Asn2195Ser (NM_001291285.3, NM_024582.6); short protein forms N2195S.
Identifiers: ClinVar variation 1405912 (VCV001405912.7), dbSNP rs200234420, ClinGen allele CA3072941.

ClinVar aggregate classification (germline): Uncertain significance. Review status: criteria provided, multiple submitters, no conflicts (2 of 4 stars). 2 submissions from 2 submitters: Uncertain significance (2). Last evaluated 2026-01-28.

Conditions:
Inborn genetic diseases. Identifiers: MedGen C0950123, MeSH D030342.

Allele frequency attached by ClinVar (database versions not stated): gnomAD 0.00001; gnomAD exomes 0.00001 and 0.00002; TOPMed 0.00002.
gnomAD v4.1: 12 of 1,613,982 alleles (0.00074%); highest among the groups gnomAD compares: Admixed American, 0.01%; no homozygotes.

Submissions (2):

Labcorp Genetics (formerly Invitae), Labcorp
Classification: Uncertain significance. Last evaluated: 2026-01-28. Review status: criteria provided, single submitter. Criteria: Invitae Variant Classification Sherloc (09022015). Collection method: clinical testing. Allele origin: germline.
Comment: This sequence change replaces asparagine, which is neutral and polar, with serine, which is neutral and polar, at codon 2195 of the FAT4 protein (p.Asn2195Ser). This variant is present in population databases (rs200234420, gnomAD 0.01%). This variant has not been reported in the literature in individuals affected with FAT4-related conditions. ClinVar contains an entry for this variant (Variation ID: 1405912). Invitae Evidence Modeling of protein sequence and biophysical properties (such as structural, functional, and spatial information, amino acid conservation, physicochemical variation, residue mobility, and thermodynamic stability) has been performed for this missense variant. However, the output from this modeling did not meet the statistical confidence thresholds required to predict the impact of this variant on FAT4 protein function. In summary, the available evidence is currently insufficient to determine the role of this variant in disease. Therefore, it has been classified as a Variant of Uncertain Significance.

Ambry Genetics
Classification: Uncertain significance for Inborn genetic diseases. Last evaluated: 2025-07-13. Review status: criteria provided, single submitter. Criteria: Ambry Variant Classification Scheme 2023. Collection method: clinical testing. Allele origin: germline.